The following is an entry in ClinVar:

NM_177559.3(CSNK2A1):c.319C>T (p.Arg107Ter)

Gene: CSNK2A1 (casein kinase 2 alpha 1; minus strand). Cytogenetic location: 20p13.
Variant type: single nucleotide variant.
Coding change: c.319C>T on transcript NM_177559.3 (MANE Select); coding-DNA position 319, C replaced by T.
Protein change: p.Arg107Ter; replaces arginine 107 with a stop codon.
Molecular consequence: nonsense. On other transcripts: 5 prime UTR variant (1).
Genome position (GRCh38, 1-based): chr20:499,302, G>A on the plus strand (C>T on the coding strand, the complement: CSNK2A1 is on the minus strand). VCF-style: chr20-499302-G-A. GRCh37 (hg19) VCF-style: chr20-479946-G-A.
Other names: c.319C>T, p.Arg107Ter (NM_001362770.2, NM_001362771.2, NM_001895.4); c.-90C>T (NM_177560.3); c.319C>T (NM_001895.3); short protein forms R107*.
Identifiers: ClinVar variation 1297057 (VCV001297057.3), dbSNP rs768238678, ClinGen allele CA9724013.
Genomic context (GRCh38, chr20:499,302, plus strand): 5'-TTATATATTATACCTTGAAGTCTGTGTTGTTTACGTGTTCAAAAACCAAGGCGGGGGTTC[G>A]TGACTAGGGGAAAAGAACAAAAACAAAAACACACATTAGCAATAGCCCTGACAGCTTTAA-3'

ClinVar aggregate classification (germline): Likely pathogenic. Review status: criteria provided, multiple submitters, no conflicts (2 of 4 stars). 2 submissions from 2 submitters: Likely pathogenic (2). Last evaluated 2023-03-09.

Conditions:
Okur-Chung neurodevelopmental syndrome (OCNDS). Identifiers: Orphanet 689422, MedGen C4310739, MONDO:0014893, OMIM 617062.
CSNK2A1-related disorder. Also called: CSNK2A1-related condition; CSNK2A1- Related Disorders.

Allele frequency attached by ClinVar (database versions not stated): ExAC 0.00001.

Submissions (2):

PreventionGenetics, part of Exact Sciences
Classification: Likely pathogenic for CSNK2A1-related condition. Last evaluated: 2023-03-09. Review status: criteria provided, single submitter. Criteria: ACMG Guidelines, 2015. Collection method: clinical testing. Allele origin: germline.
Comment: The CSNK2A1 c.319C>T variant is predicted to result in premature protein termination (p.Arg107*). This variant has been reported with de novo occurrence in an individual with persistent hyperplastic primary vitreous with microphthalmia and coloboma who also had neurodevelopmental delays (Murakami et al. 2022. PubMed ID: 35221879). This variant was also reported in an individual with an undefined neurodevelopmental disorder (Wang et al 2020. PubMed ID: 33004838); however no additional evidence was provided to support pathogenicity. Other loss of function variants have been reported to be causative for disease but are downstream of the c.400 position (Nakashima et al. 2019. PubMed ID: 30655572; Vissers et al. 2017. PubMed ID: 28333917). This variant has not been reported in a large population database, indicating it is rare. This variant is classified as likely pathogenic by one laboratory in ClinVar; however, that entry indicates the variant was found to be inherited from an unaffected parent. Taken together, this variant is classified as likely pathogenic.

Institute of Human Genetics, University of Leipzig Medical Center
Classification: Likely pathogenic for Okur-Chung neurodevelopmental syndrome. Last evaluated: 2021-11-01. Review status: criteria provided, single submitter. Criteria: ACMG Guidelines, 2015. Collection method: clinical testing. Allele origin: maternal. Affected: yes.
Comment: Criteria applied: PVS1, PM2_SUP, BS2